The following is an entry in ClinVar:

NM_014795.4(ZEB2):c.1730T>C (p.Ile577Thr)

Gene: ZEB2 (zinc finger E-box binding homeobox 2; minus strand). Cytogenetic location: 2q22.3.
Variant type: single nucleotide variant.
Coding change: c.1730T>C on transcript NM_014795.4 (MANE Select); coding-DNA position 1730, T replaced by C.
Protein change: p.Ile577Thr; replaces isoleucine 577 with threonine.
Molecular consequence: missense variant.
Genome position (GRCh38, 1-based): chr2:144,399,457, A>G on the plus strand (T>C on the coding strand, the complement: ZEB2 is on the minus strand). VCF-style: chr2-144399457-A-G. GRCh37 (hg19) VCF-style: chr2-145157024-A-G.
Other names: c.1658T>C, p.Ile553Thr (NM_001171653.2); short protein forms I553T, I577T.
Identifiers: ClinVar variation 1495413 (VCV001495413.6), dbSNP rs1703277803, ClinGen allele CA348710317.

ClinVar aggregate classification (germline): Uncertain significance (1 of 4 stars; one submission).

Conditions:
Mowat-Wilson syndrome (MOWS). Also called: Classic Mowat-Wilson Syndrome. Identifiers: Orphanet 2152, MedGen C1856113, MONDO:0009341, OMIM 235730.

Submission:

Labcorp Genetics (formerly Invitae), Labcorp
Classification: Uncertain significance for Mowat-Wilson syndrome. Last evaluated: 2023-02-20. Review status: criteria provided, single submitter. Criteria: Invitae Variant Classification Sherloc (09022015). Collection method: clinical testing. Allele origin: germline.
Comment: In summary, the available evidence is currently insufficient to determine the role of this variant in disease. Therefore, it has been classified as a Variant of Uncertain Significance. Advanced modeling of protein sequence and biophysical properties (such as structural, functional, and spatial information, amino acid conservation, physicochemical variation, residue mobility, and thermodynamic stability) performed at Invitae indicates that this missense variant is not expected to disrupt ZEB2 protein function. ClinVar contains an entry for this variant (Variation ID: 1495413). This variant has not been reported in the literature in individuals affected with ZEB2-related conditions. This variant is not present in population databases (gnomAD no frequency). This sequence change replaces isoleucine, which is neutral and non-polar, with threonine, which is neutral and polar, at codon 577 of the ZEB2 protein (p.Ile577Thr).